The following is an entry in ClinVar:

ClinVar aggregate classification (germline): Conflicting classifications of pathogenicity. Review status: criteria provided, conflicting classifications (1 of 4 stars). 2 submissions from 2 submitters: Likely pathogenic (1); Uncertain significance (1). Last evaluated 2025-12-18.

Conditions:
Episodic ataxia, type 9. Identifiers: MedGen C5394520, MONDO:0030064, OMIM 618924.
Seizures, benign familial infantile, 3 (BFIS3). Also called: CONVULSIONS, BENIGN FAMILIAL INFANTILE, 3; Familial neonatal seizures. Identifiers: Orphanet 140927, Orphanet 306, MedGen C1843140, MONDO:0011904, OMIM 607745.
Developmental and epileptic encephalopathy, 11 (DEE11). Also called: Early infantile epileptic encephalopathy 11. Identifiers: Orphanet 1934, MedGen C3150987, MONDO:0013388, OMIM 613721.
SCN2A-related disorder. Also called: SCN2A-related condition; SCN2A-related disorders. Identifiers: MedGen CN382226, MONDO:1060245.

Submissions (2):

3billion
Classification: Likely pathogenic for SCN2A-related disorder. Last evaluated: 2025-12-18. Review status: criteria provided, single submitter. Criteria: ACMG Guidelines, 2015. Collection method: clinical testing. Allele origin: germline. Affected: yes.
Comment: The variant is not observed in the gnomAD v4.1.0 dataset. Predicted Consequence/Location: Missense variant In silico tool predictions suggest damaging effect of the variant on gene or gene product [REVEL: 0.86 (>=0.6, sensitivity 0.68 and specificity 0.92); 3Cnet: 1.00 (> 0.75, sensitivity 0.96 and precision 0.92)]. The same nucleotide change resulting in the same amino acid change has been previously reported to be associated with SCN2A-related disorder (PMID: 29655203).Different missense changes at the same codon (p.Arg395Gly, p.Arg395His) have been reported as pathogenic/likely pathogenic with strong evidence (ClinVar ID: VCV002947455, VCV003753655). Therefore, this variant is classified as Likely pathogenic according to the recommendation of ACMG/AMP guideline.

Juno Genomics, Hangzhou Juno Genomics, Inc
Classification: Uncertain significance for Seizures, benign familial infantile, 3; Developmental and epileptic encephalopathy, 11; Episodic ataxia, type 9. Review status: criteria provided, single submitter. Criteria: ACMG Guidelines, 2015. Collection method: clinical testing. Allele origin: germline.
Comment: Absent from controls (or at extremely low frequency if recessive) in Genome Aggregation Database.;Multiple lines of computational evidence support a deleterious effect on the gene or gene product.

Literature cited by the submitters: PubMed 29655203 (cited by 3billion).

NM_001040142.2(SCN2A):c.1183C>T (p.Arg395Cys)

Gene: SCN2A (sodium voltage-gated channel alpha subunit 2; plus strand). Cytogenetic location: 2q24.3.
Variant type: single nucleotide variant.
Coding change: c.1183C>T on transcript NM_001040142.2 (MANE Select); coding-DNA position 1183, C replaced by T.
Protein change: p.Arg395Cys; replaces arginine 395 with cysteine.
Molecular consequence: missense variant.
Genome position (GRCh38, 1-based): chr2:165,313,908, C>T. VCF-style: chr2-165313908-C-T. GRCh37 (hg19) VCF-style: chr2-166170418-C-T.
Other names: c.1183C>T, p.Arg395Cys (NM_001040143.2, NM_001371246.1, NM_001371247.1 and 1 more transcripts); short protein forms R395C.
Identifiers: ClinVar variation 4854063 (VCV004854063.3), dbSNP rs796053179.